The following is an entry in ClinVar:

NM_000264.5(PTCH1):c.1175C>T (p.Ala392Val)

Gene: PTCH1 (patched 1; minus strand). Cytogenetic location: 9q22.32.
Variant type: single nucleotide variant.
Coding change: c.1175C>T on transcript NM_000264.5 (MANE Select); coding-DNA position 1175, C replaced by T.
Protein change: p.Ala392Val; replaces alanine 392 with valine.
Molecular consequence: missense variant. On other transcripts: non-coding transcript variant (1).
Genome position (GRCh38, 1-based): chr9:95,479,040, G>A on the plus strand (C>T on the coding strand, the complement: PTCH1 is on the minus strand). VCF-style: chr9-95479040-G-A. GRCh37 (hg19) VCF-style: chr9-98241322-G-A.
Other names: c.977C>T, p.Ala326Val (NM_001083602.3); c.1172C>T, p.Ala391Val (NM_001083603.3); c.722C>T, p.Ala241Val (NM_001083604.3, NM_001083605.3, NM_001083606.3 and 1 more transcripts); c.1175C>T, p.Ala392Val (NM_001354918.2); short protein forms A391V, A241V, A326V, A392V.
Identifiers: ClinVar variation 4146840 (VCV004146840.1).

ClinVar aggregate classification (germline): Uncertain significance (1 of 4 stars; one submission).

Conditions:
Hereditary cancer-predisposing syndrome. Also called: Hereditary neoplastic syndrome; Neoplastic Syndromes, Hereditary; Tumor predisposition; Hereditary Cancer Syndrome. Identifiers: Orphanet 140162, MedGen C0027672, MeSH D009386, MONDO:0015356.

Submission:

Ambry Genetics
Classification: Uncertain significance for Hereditary cancer-predisposing syndrome. Last evaluated: 2025-06-23. Review status: criteria provided, single submitter. Criteria: Ambry Variant Classification Scheme 2023. Collection method: clinical testing. Allele origin: germline.
Comment: The p.A392V variant (also known as c.1175C>T), located in coding exon 8 of the PTCH1 gene, results from a C to T substitution at nucleotide position 1175. The alanine at codon 392 is replaced by valine, an amino acid with similar properties. This variant was identified in one proband and mother with isolated cleft lip/palate (Zhao H et al. Oral Dis, 2018 Oct;24:1318-1325). One study reported that this variant resulted in a curved body axis and craniofacial deformities when expressed in zebrafish embryos and impaired PTCH1 stability and regulation of Hedgehog signaling when expressed in mammalian cells, however, the physiological relevance of these findings are unclear (He Q et al. Genomics. 2022 Nov;114(6):110507). This amino acid position is highly conserved in available vertebrate species. In addition, this alteration is predicted to be deleterious by in silico analysis. Based on the available evidence, the clinical significance of this variant remains unclear.

Literature cited by the submitters: PubMed 29908092; PubMed 36265746.